The following is an entry in ClinVar:

NM_018451.5(CPAP):c.2429A>T (p.Asp810Val)

Gene: CPAP (centrosome assembly and centriole elongation protein; minus strand). Cytogenetic location: 13q12.13.
Variant type: single nucleotide variant.
Coding change: c.2429A>T on transcript NM_018451.5 (MANE Select); coding-DNA position 2429, A replaced by T.
Protein change: p.Asp810Val; replaces aspartic acid 810 with valine.
Molecular consequence: missense variant. On other transcripts: non-coding transcript variant (2).
Genome position (GRCh38, 1-based): chr13:24,905,609, T>A on the plus strand (A>T on the coding strand, the complement: CPAP is on the minus strand). VCF-style: chr13-24905609-T-A. GRCh37 (hg19) VCF-style: chr13-25479747-T-A.
Other names: short protein forms D810V.
Identifiers: ClinVar variation 432654 (VCV000432654.8), dbSNP rs1021045841, ClinGen allele CA247081128.
Genomic context (GRCh38, chr13:24,905,609, plus strand): 5'-TCATTATTAGGGTAGCATGTCTGCGGCGTCCCATAAGTGGATTCATTCCCAAGAACAACA[T>A]CATGGTTACACAAATTCTCTTCAAGGTCAGTCCAAGTTCTTTCATCATCAAAGTCCATTT-3'
Protein context (NP_060921.3, residues 800-820): TDLEENLCNH[Asp810Val]VVLGNESTYG

ClinVar aggregate classification (germline): Uncertain significance. Review status: criteria provided, multiple submitters, no conflicts (2 of 4 stars). 3 submissions from 3 submitters: Uncertain significance (3). Last evaluated 2025-04-17.

Conditions:
Microcephaly 6, primary, autosomal recessive. Identifiers: Orphanet 2512, MedGen C1842109, MONDO:0012029, OMIM 608393.
Seckel syndrome 4 (SCKL4). Identifiers: Orphanet 808, MedGen C3888212, MONDO:0013358, OMIM 613676.

Allele frequency attached by ClinVar (database versions not stated): gnomAD 0.00001; TOPMed 0.00001.
gnomAD v4.1: 19 of 1,614,092 alleles (0.0012%); highest among the groups gnomAD compares: Non-Finnish European, 0.0015%; no homozygotes.

Submissions (3):

Labcorp Genetics (formerly Invitae), Labcorp
Classification: Uncertain significance. Last evaluated: 2025-04-17. Review status: criteria provided, single submitter. Criteria: Invitae Variant Classification Sherloc (09022015). Collection method: clinical testing. Allele origin: germline.
Comment: This sequence change replaces aspartic acid, which is acidic and polar, with valine, which is neutral and non-polar, at codon 810 of the CENPJ protein (p.Asp810Val). This variant is present in population databases (no rsID available, gnomAD 0.0009%). This variant has not been reported in the literature in individuals affected with CENPJ-related conditions. ClinVar contains an entry for this variant (Variation ID: 432654). Invitae Evidence Modeling of protein sequence and biophysical properties (such as structural, functional, and spatial information, amino acid conservation, physicochemical variation, residue mobility, and thermodynamic stability) indicates that this missense variant is not expected to disrupt CENPJ protein function with a negative predictive value of 80%. In summary, the available evidence is currently insufficient to determine the role of this variant in disease. Therefore, it has been classified as a Variant of Uncertain Significance.

Fulgent Genetics
Classification: Uncertain significance for Microcephaly 6, primary, autosomal recessive; Seckel syndrome 4. Last evaluated: 2021-09-21. Review status: criteria provided, single submitter. Criteria: ACMG Guidelines, 2015. Collection method: clinical testing. Allele origin: unknown.

GeneDx
Classification: Uncertain significance. Last evaluated: 2017-06-09. Review status: criteria provided, single submitter. Criteria: GeneDx Variant Classification (06012015). Collection method: clinical testing. Allele origin: germline. Affected: yes.
Comment: A variant of uncertain significance has been identified in the CENPJ gene. The D810V variant has not been published as a pathogenic variant, nor has it been reported as a benign variant to our knowledge. The D810V variant is not observed in large population cohorts (Lek et al., 2016; 1000 Genomes Consortium et al., 2015; Exome Variant Server). The D810V variant is a non-conservative amino acid substitution, which is likely to impact secondary protein structure as these residues differ in polarity, charge, size and/or other properties. However, this substitution occurs at a position that is not conserved. In silico analysis is inconsistent in its predictions as to whether or not the variant is damaging to the protein structure/function. Therefore, based on the currently available information, it is unclear whether this variant is a pathogenic variant or a rare benign variant.